The following is an entry in ClinVar:

NM_001142966.3(GREB1L):c.5761_5762insAT (p.Arg1921fs)

Gene: GREB1L (GREB1 like retinoic acid receptor coactivator; plus strand). Cytogenetic location: 18q11.2.
Variant type: Insertion.
Coding change: c.5761_5762insAT on transcript NM_001142966.3 (MANE Select); coding-DNA positions 5761 to 5762, AT inserted.
Protein change: p.Arg1921fs; shifts the reading frame from arginine 1921.
Molecular consequence: frameshift variant.
Genome position: GRCh38 VCF-style: chr18-21522810-C-CAT. GRCh37 (hg19) VCF-style: chr18-19102771-C-CAT.
Other names: c.5890_5891insAT, p.Arg1964fs (NM_001410867.1); c.5434_5435insAT, p.Arg1812fs (NM_001410868.1); short protein forms R1812fs, R1921fs, R1964fs.
Identifiers: ClinVar variation 3601160 (VCV003601160.1).

ClinVar aggregate classification (germline): Pathogenic (1 of 4 stars; one submission).

Conditions:
Hearing loss, autosomal dominant 80. Also called: DEAFNESS, AUTOSOMAL DOMINANT 80. Identifiers: MedGen C5543289, MONDO:0030998, OMIM 619274.

Submission:

Institute of Rare Diseases, West China Hospital, Sichuan University
Classification: Pathogenic for Hearing loss, autosomal dominant 80. Last evaluated: 2025-01-09. Review status: criteria provided, single submitter. Criteria: ClinGen HL ACMG Specifications v1. Collection method: research. Allele origin: germline. Affected: yes.
Comment: PVS1;PS2;PM2_Supporting